The following is an entry in ClinVar:

ClinVar aggregate classification (germline): Likely benign. Review status: criteria provided, multiple submitters, no conflicts (2 of 4 stars). 2 submissions from 2 submitters: Likely benign (2). Last evaluated 2026-06-26.

Conditions:
CEP164-related disorder. Also called: CEP164-related condition.
Nephronophthisis 15 (NPHP15). Identifiers: Orphanet 3156, MedGen C3541853, MONDO:0013917, OMIM 614845.

gnomAD v4.1: 5 of 1,613,690 alleles (0.00031%); highest among the groups gnomAD compares: Non-Finnish European, 0.00042%; no homozygotes.

Submissions (2):

PreventionGenetics, part of Exact Sciences
Classification: Likely benign for CEP164-related condition. Last evaluated: 2026-06-26. Review status: criteria provided, single submitter. Criteria: ACMG Guidelines, 2015. Collection method: clinical testing. Allele origin: germline.
Comment: This variant is classified as likely benign based on ACMG/AMP sequence variant interpretation guidelines (Richards et al. 2015 PMID: 25741868, with internal and published modifications).

Labcorp Genetics (formerly Invitae), Labcorp
Classification: Likely benign for Nephronophthisis 15. Last evaluated: 2025-12-12. Review status: criteria provided, single submitter. Criteria: Invitae Variant Classification Sherloc (09022015). Collection method: clinical testing. Allele origin: germline.

NM_014956.5(CEP164):c.1578-6A>G

Gene: CEP164 (centrosomal protein 164; plus strand). Cytogenetic location: 11q23.3.
Variant type: single nucleotide variant.
Coding change: c.1578-6A>G on transcript NM_014956.5 (MANE Select); 6 bases into the intron before coding-DNA position 1578, A replaced by G.
Molecular consequence: intron variant.
Genome position (GRCh38, 1-based): chr11:117,382,790, A>G. VCF-style: chr11-117382790-A-G. GRCh37 (hg19) VCF-style: chr11-117253506-A-G.
Other names: c.1587-6A>G (NM_001271933.2); c.1578-6A>G (NM_014956.4).
Identifiers: ClinVar variation 3641615 (VCV003641615.3).